The following is an entry in ClinVar:

ClinVar aggregate classification (germline): Uncertain significance (1 of 4 stars; one submission).

Conditions:
Zellweger spectrum disorders (ZS). Also called: Zellweger Spectrum Disorder (ZSD); Zellweger syndrome; Zellweger Spectrum Disorder; Zellweger Spectrum. Identifiers: Orphanet 912, MedGen C0043459, MONDO:0019609.

Allele frequency attached by ClinVar (database versions not stated): gnomAD exomes below 0.00001.
gnomAD v4.1: 1 of 1,600,948 alleles (0.000062%); highest among the groups gnomAD compares: Non-Finnish European, 0.000085%; no homozygotes.

Submission:

Labcorp Genetics (formerly Invitae), Labcorp
Classification: Uncertain significance for Zellweger spectrum disorders. Last evaluated: 2022-02-09. Review status: criteria provided, single submitter. Criteria: Invitae Variant Classification Sherloc (09022015). Collection method: clinical testing. Allele origin: germline.
Comment: This sequence change replaces isoleucine, which is neutral and non-polar, with threonine, which is neutral and polar, at codon 370 of the PEX1 protein (p.Ile370Thr). This variant is not present in population databases (gnomAD no frequency). This variant has not been reported in the literature in individuals affected with PEX1-related conditions. Algorithms developed to predict the effect of missense changes on protein structure and function output the following: SIFT: "Tolerated"; PolyPhen-2: "Benign"; Align-GVGD: "Class C0". The threonine amino acid residue is found in multiple mammalian species, which suggests that this missense change does not adversely affect protein function. In summary, the available evidence is currently insufficient to determine the role of this variant in disease. Therefore, it has been classified as a Variant of Uncertain Significance.

NM_000466.3(PEX1):c.1109T>C (p.Ile370Thr)

Gene: PEX1 (peroxisomal biogenesis factor 1; minus strand). Cytogenetic location: 7q21.2.
Variant type: single nucleotide variant.
Coding change: c.1109T>C on transcript NM_000466.3 (MANE Select); coding-DNA position 1109, T replaced by C.
Protein change: p.Ile370Thr; replaces isoleucine 370 with threonine.
Molecular consequence: missense variant.
Genome position (GRCh38, 1-based): chr7:92,517,406, A>G on the plus strand (T>C on the coding strand, the complement: PEX1 is on the minus strand). VCF-style: chr7-92517406-A-G. GRCh37 (hg19) VCF-style: chr7-92146720-A-G.
Other names: c.1109T>C, p.Ile370Thr (NM_001282677.2); c.485T>C, p.Ile162Thr (NM_001282678.2); short protein forms I162T, I370T.
Identifiers: ClinVar variation 1368546 (VCV001368546.8), dbSNP rs1562866173, ClinGen allele CA368198008.